The following is an entry in ClinVar:

NM_022482.5(GZF1):c.1855G>A (p.Gly619Arg)

Gene: GZF1 (GDNF inducible zinc finger protein 1; plus strand). Cytogenetic location: 20p11.21.
Variant type: single nucleotide variant.
Coding change: c.1855G>A on transcript NM_022482.5 (MANE Select); coding-DNA position 1855, G replaced by A.
Protein change: p.Gly619Arg; replaces glycine 619 with arginine.
Molecular consequence: missense variant. On other transcripts: synonymous variant (1).
Genome position (GRCh38, 1-based): chr20:23,370,160, G>A. VCF-style: chr20-23370160-G-A. GRCh37 (hg19) VCF-style: chr20-23350797-G-A.
Other names: c.1855G>A, p.Gly619Arg (NM_001317012.2); c.1809G>A, p.Thr603= (NM_001317019.1); c.1855G>A (NM_022482.3); short protein forms G619R.
Identifiers: ClinVar variation 1396560 (VCV001396560.6), dbSNP rs200001696, ClinGen allele CA9788834.

ClinVar aggregate classification (germline): Uncertain significance. Review status: criteria provided, multiple submitters, no conflicts (2 of 4 stars). 2 submissions from 2 submitters: Uncertain significance (2). Last evaluated 2023-04-17.

Conditions:
Inborn genetic diseases. Identifiers: MedGen C0950123, MeSH D030342.

Allele frequency attached by ClinVar (database versions not stated): gnomAD 0.00003.
gnomAD v4.1: 62 of 1,614,208 alleles (0.0038%); highest among the groups gnomAD compares: Admixed American, 0.055%; no homozygotes.

Submissions (2):

Ambry Genetics
Classification: Uncertain significance for Inborn genetic diseases. Last evaluated: 2023-04-17. Review status: criteria provided, single submitter. Criteria: Ambry Variant Classification Scheme 2023. Collection method: clinical testing. Allele origin: germline.

Labcorp Genetics (formerly Invitae), Labcorp
Classification: Uncertain significance. Last evaluated: 2022-08-23. Review status: criteria provided, single submitter. Criteria: Invitae Variant Classification Sherloc (09022015). Collection method: clinical testing. Allele origin: germline.
Comment: This sequence change replaces glycine, which is neutral and non-polar, with arginine, which is basic and polar, at codon 619 of the GZF1 protein (p.Gly619Arg). This variant is present in population databases (rs200001696, gnomAD 0.09%). This variant has not been reported in the literature in individuals affected with GZF1-related conditions. ClinVar contains an entry for this variant (Variation ID: 1396560). Algorithms developed to predict the effect of missense changes on protein structure and function are either unavailable or do not agree on the potential impact of this missense change (SIFT: "Not Available"; PolyPhen-2: "Benign"; Align-GVGD: "Not Available"). In summary, the available evidence is currently insufficient to determine the role of this variant in disease. Therefore, it has been classified as a Variant of Uncertain Significance.